The following is an entry in ClinVar:

ClinVar aggregate classification (germline): Uncertain significance (1 of 4 stars; one submission).

Conditions:
Hereditary cancer-predisposing syndrome. Also called: Neoplastic Syndromes, Hereditary; Tumor predisposition; Hereditary Cancer Syndrome; Hereditary neoplastic syndrome. Identifiers: Orphanet 140162, MedGen C0027672, MeSH D009386, MONDO:0015356.

Submission:

Ambry Genetics
Classification: Uncertain significance for Hereditary cancer-predisposing syndrome. Last evaluated: 2022-02-14. Review status: criteria provided, single submitter. Criteria: Ambry Variant Classification Scheme 2023. Collection method: clinical testing. Allele origin: germline.
Comment: The c.3577delA variant, located in coding exon 19 of the BRIP1 gene, results from a deletion of one nucleotide at nucleotide position 3577, causing a translational frameshift with a predicted alternate stop codon (p.T1193Qfs*3). This alteration occurs at the 3' terminus of theBRIP1 gene, is not expected to trigger nonsense-mediated mRNAdecay, and only impacts the last 56 AA of the protein. The exact functional effect of this alteration is unknown. Since supporting evidence is limited at this time, the clinical significance of this alteration remains unclear.

NM_032043.3(BRIP1):c.3577del (p.Thr1193fs)

Gene: BRIP1 (BRCA1 interacting DNA helicase 1; minus strand). Cytogenetic location: 17q23.2.
Variant type: Deletion.
Coding change: c.3577del on transcript NM_032043.3 (MANE Select); coding-DNA position 3577, one base deleted (A; older notation c.3577delA).
Protein change: p.Thr1193fs; shifts the reading frame from threonine 1193.
Molecular consequence: frameshift variant.
Genome position (GRCh38, 1-based): chr17:61,683,469, T deleted on the plus strand (A on the coding strand, the reverse complement: BRIP1 is on the minus strand). VCF-style (leftmost placement, unchanged base first): chr17-61683468-GT-G. GRCh37 (hg19) VCF-style: chr17-59760829-GT-G.
Other names: short protein forms T1193fs.
Identifiers: ClinVar variation 1732838 (VCV001732838.2), dbSNP rs2544553705, ClinGen allele CA2580094549.
Genomic context (GRCh38, chr17:61,683,468, plus strand): 5'-ACATTACCATCAATGTCATCAATTTTACTTTCTTCAATATGCAGAATTCCATTCAACTTT[GT>G]ATCTATGCAATCCTCAGCTTTCACTTCTCTGGCTGAATCTACTTCTTTTATAGTTCTAAT-3'